The following is an entry in ClinVar:

ClinVar aggregate classification (germline): Uncertain significance (1 of 4 stars; one submission).

Conditions:
Inborn genetic diseases. Identifiers: MedGen C0950123, MeSH D030342.

gnomAD v4.1: 2 of 1,613,952 alleles (0.00012%); highest among the groups gnomAD compares: Admixed American, 0.0033%; no homozygotes.

Submission:

Ambry Genetics
Classification: Uncertain significance for Inborn genetic diseases. Last evaluated: 2024-11-21. Review status: criteria provided, single submitter. Criteria: Ambry Variant Classification Scheme 2023. Collection method: clinical testing. Allele origin: germline.
Comment: The p.G580R variant (also known as c.1738G>C), located in coding exon 12 of the BMPR2 gene, results from a G to C substitution at nucleotide position 1738. The glycine at codon 580 is replaced by arginine, an amino acid with dissimilar properties. This amino acid position is conserved. In addition, this alteration is predicted to be deleterious by in silico analysis. Based on the available evidence, the clinical significance of this variant remains unclear.

NM_001204.7(BMPR2):c.1738G>C (p.Gly580Arg)

Gene: BMPR2 (bone morphogenetic protein receptor type 2; plus strand). Cytogenetic location: 2q33.2.
Variant type: single nucleotide variant.
Coding change: c.1738G>C on transcript NM_001204.7 (MANE Select); coding-DNA position 1738, G replaced by C.
Protein change: p.Gly580Arg; replaces glycine 580 with arginine.
Molecular consequence: missense variant.
Genome position (GRCh38, 1-based): chr2:202,555,403, G>C. VCF-style: chr2-202555403-G-C. GRCh37 (hg19) VCF-style: chr2-203420126-G-C.
Other names: short protein forms G580R.
Identifiers: ClinVar variation 3481259 (VCV003481259.1).